The following is an entry in ClinVar:

NM_000336.3(SCNN1B):c.1764T>C (p.Phe588=)

Gene: SCNN1B (sodium channel epithelial 1 subunit beta; plus strand). Cytogenetic location: 16p12.2.
Variant type: single nucleotide variant.
Coding change: c.1764T>C on transcript NM_000336.3 (MANE Select); coding-DNA position 1764, T replaced by C.
Protein change: p.Phe588=; no amino-acid change (phenylalanine 588 retained).
Molecular consequence: synonymous variant.
Genome position (GRCh38, 1-based): chr16:23,380,642, T>C. VCF-style: chr16-23380642-T-C. GRCh37 (hg19) VCF-style: chr16-23391963-T-C.
Identifiers: ClinVar variation 318444 (VCV000318444.13), dbSNP rs762486495, ClinGen allele CA7960632.
Genomic context (GRCh38, chr16:23,380,642, plus strand): 5'-AGCCAGCTACGCTGGCCCACCGCCCACCGTGGCCGAGCTGGTGGAGGCCCACACCAACTT[T>C]GGCTTCCAGCCTGACACGGCCCCCCGCAGCCCCAACACTGGGCCCTACCCCAGTGAGCAG-3'
Protein context (NP_000327.2, residues 578-598): VAELVEAHTN[Phe588=]GFQPDTAPRS

ClinVar aggregate classification (germline): Conflicting classifications of pathogenicity. Review status: criteria provided, conflicting classifications (1 of 4 stars). 5 submissions from 3 submitters: Uncertain significance (1); Likely benign (4). Last evaluated 2025-06-12.

Conditions:
Bronchiectasis with or without elevated sweat chloride 1 (BESC1). Also called: Cystic Fibrosis-Like Syndrome. Identifiers: Orphanet 60033, MedGen C2749757, MONDO:0008887, OMIM 211400.
Pseudohypoaldosteronism, type IB1, autosomal recessive. Also called: Autosomal recessive pseudohypoaldosteronism type 1; PHA I, AUTOSOMAL RECESSIVE; Pseudohypoaldosteronism, Type I, Autosomal Recessive; Pseudohypoaldosteronism, Type I, Recessive. Identifiers: Orphanet 171876, Orphanet 756, MedGen C5774176, MONDO:0009917, OMIM 264350.
Liddle syndrome 1 (LIDLS1). Also called: PSEUDOALDOSTERONISM. Identifiers: Orphanet 526, MedGen CN031472, MONDO:0020607, OMIM 177200.

Allele frequency attached by ClinVar (database versions not stated): gnomAD exomes 0.00009 and 0.00023; ExAC 0.00017; gnomAD 0.00022 and 0.00024; TOPMed 0.00023.
gnomAD v4.1: 172 of 1,613,340 alleles (0.011%); highest among the groups gnomAD compares: Admixed American, 0.098%; 1 homozygote.

Submissions (5):

Labcorp Genetics (formerly Invitae), Labcorp
Classification: Likely benign. Last evaluated: 2025-06-12. Review status: criteria provided, single submitter. Criteria: Invitae Variant Classification Sherloc (09022015). Collection method: clinical testing. Allele origin: germline.

Blueprint Genetics
Classification: Likely benign. Last evaluated: 2021-10-19. Review status: criteria provided, single submitter. Criteria: ACMG Guidelines, 2015. Collection method: clinical testing. Allele origin: germline.

Illumina Laboratory Services, Illumina
Classification: Uncertain significance for Pseudohypoaldosteronism, type IB1, autosomal recessive. Last evaluated: 2018-01-13. Review status: criteria provided, single submitter. Criteria: ICSL Variant Classification Criteria 13 December 2019. Collection method: clinical testing. Allele origin: germline.

Illumina Laboratory Services, Illumina
Classification: Likely benign for Liddle syndrome 1. Last evaluated: 2018-01-13. Review status: criteria provided, single submitter. Criteria: ICSL Variant Classification Criteria 13 December 2019. Collection method: clinical testing. Allele origin: germline.
Comment: This variant was observed in the ICSL laboratory as part of a predisposition screen in an ostensibly healthy population. It had not been previously curated by ICSL or reported in the Human Gene Mutation Database (HGMD: prior to June 1st, 2018), and was therefore a candidate for classification through an automated scoring system. Utilizing variant allele frequency, disease prevalence and penetrance estimates, and inheritance mode, an automated score was calculated to assess if this variant is too frequent to cause the disease. Based on the score and internal cut-off values, a variant classified as likely benign is not then subjected to further curation. The score for this variant resulted in a classification of likely benign for this disease.

Illumina Laboratory Services, Illumina
Classification: Likely benign for Bronchiectasis with or without elevated sweat chloride 1. Last evaluated: 2018-01-13. Review status: criteria provided, single submitter. Criteria: ICSL Variant Classification Criteria 13 December 2019. Collection method: clinical testing. Allele origin: germline.
Comment: the same text as in the submission from Illumina Laboratory Services, Illumina above.